The following is an entry in ClinVar:

NM_001318852.2(MAPK8IP3):c.3196A>G (p.Asn1066Asp)

Gene: MAPK8IP3 (mitogen-activated protein kinase 8 interacting protein 3; plus strand). Cytogenetic location: 16p13.3.
Variant type: single nucleotide variant.
Coding change: c.3196A>G on transcript NM_001318852.2 (MANE Select); coding-DNA position 3196, A replaced by G.
Protein change: p.Asn1066Asp; replaces asparagine 1066 with aspartic acid.
Molecular consequence: missense variant.
Genome position (GRCh38, 1-based): chr16:1,767,256, A>G. VCF-style: chr16-1767256-A-G. GRCh37 (hg19) VCF-style: chr16-1817257-A-G.
Other names: c.3175A>G, p.Asn1059Asp (NM_001040439.2); c.3193A>G, p.Asn1065Asp (NM_015133.5); short protein forms N1059D, N1065D, N1066D.
Identifiers: ClinVar variation 4056599 (VCV004056599.1).

ClinVar aggregate classification (germline): Uncertain significance (1 of 4 stars; one submission).

Conditions:
Neurodevelopmental disorder with or without variable brain abnormalities; NEDBA. Also called: NEURODEVELOPMENTAL DISORDER WITH OR WITHOUT VARIABLE BRAIN ABNORMALITIES. Identifiers: MedGen C5193102, MONDO:0032755, OMIM 618443.

Submission:

Laboratorio de Genetica e Diagnostico Molecular, Hospital Israelita Albert Einstein
Classification: Uncertain significance for Neurodevelopmental disorder with or without variable brain abnormalities; NEDBA. Last evaluated: 2024-04-18. Review status: criteria provided, single submitter. Criteria: ACMG Guidelines, 2015. Collection method: clinical testing. Allele origin: germline. Affected: yes.
Comment: ACMG classification criteria: PM2 supporting, PP2 supporting, BP4 supporting